The following is an entry in ClinVar:

NM_198129.4(LAMA3):c.120G>A (p.Gly40=)

Gene: LAMA3 (laminin subunit alpha 3; plus strand). Cytogenetic location: 18q11.2.
Variant type: single nucleotide variant.
Coding change: c.120G>A on transcript NM_198129.4 (MANE Select); coding-DNA position 120, G replaced by A.
Protein change: p.Gly40=; no amino-acid change (glycine 40 retained).
Molecular consequence: synonymous variant. On other transcripts: non-coding transcript variant (1).
Genome position (GRCh38, 1-based): chr18:23,689,803, G>A. VCF-style: chr18-23689803-G-A. GRCh37 (hg19) VCF-style: chr18-21269767-G-A.
Other names: c.120G>A (NM_198129.2); c.120G>A, p.Gly40= (NM_001127717.4, NM_001302996.2).
Identifiers: ClinVar variation 2199103 (VCV002199103.6), dbSNP rs759796914, ClinGen allele CA8914179.

ClinVar aggregate classification (germline): Likely benign. Review status: criteria provided, single submitter (1 of 4 stars). 2 submissions from 2 submitters: Likely benign (1). 1 of the submissions does not count toward it. Last evaluated 2022-09-26.

Conditions:
LAMA3-related disorder. Also called: LAMA3-related condition; LAMA3-related disorders.

Allele frequency attached by ClinVar (database versions not stated): ExAC 0.00026.
gnomAD v4.1: 99 of 1,537,132 alleles (0.0064%); highest among the groups gnomAD compares: Middle Eastern, 0.017%; no homozygotes.

Submissions (2):

Labcorp Genetics (formerly Invitae), Labcorp
Classification: Likely benign. Last evaluated: 2022-09-26. Review status: criteria provided, single submitter. Criteria: Invitae Variant Classification Sherloc (09022015). Collection method: clinical testing. Allele origin: germline.

PreventionGenetics, part of Exact Sciences
Classification: Likely benign for LAMA3-related condition. Last evaluated: 2019-09-17. Review status: no assertion criteria provided. Collection method: clinical testing. Allele origin: germline. Not counted in ClinVar's aggregate classification.
Comment: This variant is classified as likely benign based on ACMG/AMP sequence variant interpretation guidelines (Richards et al. 2015 PMID: 25741868, with internal and published modifications).